The following is an entry in ClinVar:

ClinVar aggregate classification (germline): Conflicting classifications of pathogenicity. Review status: criteria provided, conflicting classifications (1 of 4 stars). 6 submissions from 6 submitters: Uncertain significance (4); Likely benign (1). 1 of the submissions does not count toward it. Last evaluated 2026-05-09.

Conditions:
Cohen syndrome (COH1). Also called: PEPPER SYNDROME; Cutis verticis gyrata, retinitis pigmentosa, and sensorineural deafness. Identifiers: Orphanet 193, MedGen C0265223, MONDO:0008999, OMIM 216550.
VPS13B-related disorder. Also called: VPS13B-related condition.

Allele frequency attached by ClinVar (database versions not stated): TOPMed 0.00004; gnomAD 0.00009; gnomAD exomes 0.00011 and 0.00019; ExAC 0.00025.
gnomAD v4.1: 191 of 1,614,062 alleles (0.012%); highest among the groups gnomAD compares: Non-Finnish European, 0.01%; no homozygotes.

Submissions (6):

PreventionGenetics, part of Exact Sciences
Classification: Uncertain significance for VPS13B-related condition. Last evaluated: 2026-05-09. Review status: criteria provided, single submitter. Criteria: ACMG Guidelines, 2015. Collection method: clinical testing. Allele origin: germline.
Comment: The VPS13B c.1762A>G variant is predicted to result in the amino acid substitution p.Ser588Gly. To our knowledge, this variant has not been reported in the literature. This variant is reported in 0.056% of alleles in individuals of European (Finnish) descent in gnomAD, which may be too frequent to be a primary cause of disease. Although we suspect that this variant may be benign, at this time, the clinical significance of this variant is uncertain due to the absence of conclusive functional and genetic evidence.

Athena Diagnostics
Classification: Uncertain significance. Last evaluated: 2025-01-23. Review status: criteria provided, single submitter. Criteria: Athena Diagnostics Criteria. Collection method: clinical testing. Allele origin: unknown.
Comment: Available data are insufficient to determine the clinical significance of the variant at this time. The frequency of this variant in the general population is higher than would generally be expected for pathogenic variants in this gene. Polyphen and MutationTaster yielded discordant predictions regarding whether this amino acid change is damaging to the protein.

Blueprint Genetics
Classification: Likely benign. Last evaluated: 2024-03-12. Review status: criteria provided, single submitter. Criteria: ACMG Guidelines, 2015. Collection method: clinical testing. Allele origin: germline.

Labcorp Genetics (formerly Invitae), Labcorp
Classification: Uncertain significance for Cohen syndrome. Last evaluated: 2022-09-07. Review status: criteria provided, single submitter. Criteria: Invitae Variant Classification Sherloc (09022015). Collection method: clinical testing. Allele origin: germline.
Comment: This sequence change replaces serine, which is neutral and polar, with glycine, which is neutral and non-polar, at codon 588 of the VPS13B protein (p.Ser588Gly). This variant is present in population databases (rs759332797, gnomAD 0.05%). This variant has not been reported in the literature in individuals affected with VPS13B-related conditions. ClinVar contains an entry for this variant (Variation ID: 856158). Algorithms developed to predict the effect of missense changes on protein structure and function are either unavailable or do not agree on the potential impact of this missense change (SIFT: "Not Available"; PolyPhen-2: "Benign"; Align-GVGD: "Not Available"). In summary, the available evidence is currently insufficient to determine the role of this variant in disease. Therefore, it has been classified as a Variant of Uncertain Significance.

Genome-Nilou Lab
Classification: Uncertain significance for Cohen syndrome. Last evaluated: 2021-07-22. Review status: criteria provided, single submitter. Criteria: ACMG Guidelines, 2015. Collection method: clinical testing. Allele origin: germline. Affected: no.

Natera, Inc.
Classification: Uncertain significance for Cohen syndrome. Last evaluated: 2020-03-04. Review status: no assertion criteria provided. Collection method: clinical testing. Allele origin: germline. Not counted in ClinVar's aggregate classification.

NM_152564.5(VPS13B):c.1762A>G (p.Ser588Gly)

Gene: VPS13B (vacuolar protein sorting 13 homolog B; plus strand). Cytogenetic location: 8q22.2.
Variant type: single nucleotide variant.
Coding change: c.1762A>G on transcript NM_152564.5 (MANE Select); coding-DNA position 1762, A replaced by G.
Protein change: p.Ser588Gly; replaces serine 588 with glycine.
Molecular consequence: missense variant.
Genome position (GRCh38, 1-based): chr8:99,143,084, A>G. VCF-style: chr8-99143084-A-G. GRCh37 (hg19) VCF-style: chr8-100155312-A-G.
Other names: c.1762A>G, p.Ser588Gly (NM_015243.3, NM_017890.5); c.1762A>G (NM_152564.4); short protein forms S588G.
Identifiers: ClinVar variation 856158 (VCV000856158.13), dbSNP rs759332797, ClinGen allele CA4822735.